The following is an entry in ClinVar:

NM_001184880.2(PCDH19):c.788G>A (p.Ser263Asn)

Gene: PCDH19 (protocadherin 19; minus strand). Cytogenetic location: Xq22.1.
Variant type: single nucleotide variant.
Coding change: c.788G>A on transcript NM_001184880.2 (MANE Select); coding-DNA position 788, G replaced by A.
Protein change: p.Ser263Asn; replaces serine 263 with asparagine.
Molecular consequence: missense variant.
Genome position (GRCh38, 1-based): chrX:100,407,810, C>T on the plus strand (G>A on the coding strand, the complement: PCDH19 is on the minus strand). VCF-style: chrX-100407810-C-T. GRCh37 (hg19) VCF-style: chrX-99662808-C-T.
Other names: c.788G>A, p.Ser263Asn (NM_001105243.2, NM_020766.3); short protein forms S263N.
Identifiers: ClinVar variation 1761043 (VCV001761043.3), dbSNP rs2520989838, ClinGen allele CA414008123.

ClinVar aggregate classification (germline): Uncertain significance. Review status: criteria provided, multiple submitters, no conflicts (2 of 4 stars). 2 submissions from 2 submitters: Uncertain significance (2). Last evaluated 2025-04-09.

Conditions:
Inborn genetic diseases. Identifiers: MedGen C0950123, MeSH D030342.

Submissions (2):

GeneDx
Classification: Uncertain significance. Last evaluated: 2025-04-09. Review status: criteria provided, single submitter. Criteria: GeneDx Variant Classification Process June 2021. Collection method: clinical testing. Allele origin: germline. Affected: yes.
Comment: Not observed at significant frequency in large population cohorts (gnomAD); In silico analysis indicates that this missense variant does not alter protein structure/function; Has not been previously published as pathogenic or benign to our knowledge

Ambry Genetics
Classification: Uncertain significance for Inborn genetic diseases. Last evaluated: 2018-07-09. Review status: criteria provided, single submitter. Criteria: Ambry Variant Classification Scheme 2023. Collection method: clinical testing. Allele origin: germline.
Comment: The p.S263N variant (also known as c.788G>A), located in coding exon 1 of the PCDH19 gene, results from a G to A substitution at nucleotide position 788. The serine at codon 263 is replaced by asparagine, an amino acid with highly similar properties. This amino acid position is not well conserved in available vertebrate species. In addition, this alteration is predicted to be tolerated by in silico analysis. Since supporting evidence is limited at this time, the clinical significance of this alteration remains unclear.